The following is an entry in ClinVar:

NM_003809.3(TNFSF12):c.259C>T (p.Arg87Ter)

Genes: TNFSF12 (TNF superfamily member 12; plus strand), TNFSF12-TNFSF13 (TNFSF12-TNFSF13 readthrough; plus strand). Cytogenetic location: 17p13.1.
Variant type: single nucleotide variant.
Coding change: c.259C>T on transcript NM_003809.3 (MANE Select); coding-DNA position 259, C replaced by T.
Protein change: p.Arg87Ter; replaces arginine 87 with a stop codon.
Molecular consequence: nonsense. On other transcripts: non-coding transcript variant (1).
Genome position (GRCh38, 1-based): chr17:7,550,171, C>T. VCF-style: chr17-7550171-C-T. GRCh37 (hg19) VCF-style: chr17-7453488-C-T.
Other names: c.259C>T, p.Arg87Ter (NM_172089.4); short protein forms R87*.
Identifiers: ClinVar variation 2054553 (VCV002054553.4), dbSNP rs2508313406, ClinGen allele CA397856445.

ClinVar aggregate classification (germline): Uncertain significance (1 of 4 stars; one submission).

Conditions:
Common variable immunodeficiency (CVID). Also called: Common variable hypogamma-globulinemia; Common variable agammaglobulinemia. Identifiers: Orphanet 1572, MedGen C0009447, MONDO:0015517.

Submission:

Labcorp Genetics (formerly Invitae), Labcorp
Classification: Uncertain significance for Common variable immunodeficiency. Last evaluated: 2023-11-27. Review status: criteria provided, single submitter. Criteria: Invitae Variant Classification Sherloc (09022015). Collection method: clinical testing. Allele origin: germline.
Comment: This sequence change creates a premature translational stop signal (p.Arg87*) in the TNFSF12 gene. It is expected to result in an absent or disrupted protein product. However, the current clinical and genetic evidence is not sufficient to establish whether loss-of-function variants in TNFSF12 cause disease. This variant is not present in population databases (gnomAD no frequency). This variant has not been reported in the literature in individuals affected with TNFSF12-related conditions. ClinVar contains an entry for this variant (Variation ID: 2054553). In summary, the available evidence is currently insufficient to determine the role of this variant in disease. Therefore, it has been classified as a Variant of Uncertain Significance.